The following is an entry in ClinVar:

ClinVar aggregate classification (germline): Pathogenic (1 of 4 stars; one submission).

Conditions:
Hereditary spastic paraplegia 4. Also called: Spastic paraplegia 4, autosomal dominant; Spastic Paraplegia 4; Familial spastic paraplegia autosomal dominant 2. Identifiers: Orphanet 100985, MedGen C1866855, MONDO:0008438, OMIM 182601.

Submission:

Labcorp Genetics (formerly Invitae), Labcorp
Classification: Pathogenic for Hereditary spastic paraplegia 4. Last evaluated: 2025-02-21. Review status: criteria provided, single submitter. Criteria: Invitae Variant Classification Sherloc (09022015). Collection method: clinical testing. Allele origin: germline.
Comment: This sequence change creates a premature translational stop signal (p.Glu494*) in the SPAST gene. It is expected to result in an absent or disrupted protein product. Loss-of-function variants in SPAST are known to be pathogenic (PMID: 20932283). This variant is not present in population databases (gnomAD no frequency). This variant has not been reported in the literature in individuals affected with SPAST-related conditions. Algorithms developed to predict the effect of sequence changes on RNA splicing suggest that this variant may disrupt the consensus splice site. For these reasons, this variant has been classified as Pathogenic.

Literature cited by the submitters: PubMed 20932283.

NM_014946.4(SPAST):c.1480G>T (p.Glu494Ter)

Gene: SPAST (spastin; plus strand). Cytogenetic location: 2p22.3.
Variant type: single nucleotide variant.
Coding change: c.1480G>T on transcript NM_014946.4 (MANE Select); coding-DNA position 1480, G replaced by T.
Protein change: p.Glu494Ter; replaces glutamic acid 494 with a stop codon.
Molecular consequence: nonsense.
Genome position (GRCh38, 1-based): chr2:32,137,175, G>T. VCF-style: chr2-32137175-G-T. GRCh37 (hg19) VCF-style: chr2-32362244-G-T.
Other names: c.1477G>T, p.Glu493Ter (NM_001363823.2); c.1381G>T, p.Glu461Ter (NM_001363875.2); c.1384G>T, p.Glu462Ter (NM_001377959.1, NM_199436.2); short protein forms E494*, E461*, E493*, E462*.
Identifiers: ClinVar variation 3728712 (VCV003728712.2).